The following is an entry in ClinVar:

NM_000218.3(KCNQ1):c.449C>G (p.Ala150Gly)

Gene: KCNQ1 (potassium voltage-gated channel subfamily Q member 1; plus strand). Cytogenetic location: 11p15.5.
Variant type: single nucleotide variant.
Coding change: c.449C>G on transcript NM_000218.3 (MANE Select); coding-DNA position 449, C replaced by G.
Protein change: p.Ala150Gly; replaces alanine 150 with glycine.
Molecular consequence: missense variant.
Genome position (GRCh38, 1-based): chr11:2,527,990, C>G. VCF-style: chr11-2527990-C-G. GRCh37 (hg19) VCF-style: chr11-2549220-C-G.
Other names: c.449C>G (LRG_287t1); c.449C>G, p.Ala150Gly (NM_001406836.1, NM_001406838.1); c.179C>G, p.Ala60Gly (NM_001406837.1); c.68C>G, p.Ala23Gly (NM_181798.2); short protein forms A150G, A23G, A60G.
Identifiers: ClinVar variation 53044 (VCV000053044.3), dbSNP rs199473452, ClinGen allele CA007123.

ClinVar aggregate classification (germline): not provided (0 of 4 stars; one submission).

Conditions:
Familial long QT syndrome (RWS). Also called: Congenital long QT syndrome; Romano-Ward syndrome; VENTRICULAR FIBRILLATION WITH PROLONGED QT INTERVAL. Identifiers: Orphanet 768, MedGen C1141890, MONDO:0019171.

Submission:

Cardiovascular Biomedical Research Unit, Royal Brompton & Harefield NHS Foundation Trust
No classification provided. Condition: Familial long QT syndrome. Review status: no classification provided. Collection method: literature only. Allele origin: germline.
Comment: This variant has been reported as associated with Long QT syndrome in the following publications (PMID:19862833). This is a literature report, and does not necessarily reflect the clinical interpretation of the Imperial College / Royal Brompton Cardiovascular Genetics laboratory.

Literature cited by the submitters: PubMed 19862833; PubMed 22581653.